The following is an entry in ClinVar:

NM_138927.4(SON):c.4480C>T (p.Gln1494Ter)

Gene: SON (SON DNA and RNA binding protein; plus strand). Cytogenetic location: 21q22.11.
Variant type: single nucleotide variant.
Coding change: c.4480C>T on transcript NM_138927.4 (MANE Select); coding-DNA position 4480, C replaced by T.
Protein change: p.Gln1494Ter; replaces glutamine 1494 with a stop codon.
Molecular consequence: nonsense. On other transcripts: non-coding transcript variant (1), intron variant (1).
Genome position (GRCh38, 1-based): chr21:33,553,711, C>T. VCF-style: chr21-33553711-C-T. GRCh37 (hg19) VCF-style: chr21-34926017-C-T.
Other names: c.4480C>T, p.Gln1494Ter (NM_001291411.2, NM_001412133.1, NM_032195.3 and 2 more transcripts); c.245-3445C>T (NM_001291412.3); short protein forms Q1494*.
Identifiers: ClinVar variation 1709146 (VCV001709146.2), dbSNP rs779189159, ClinGen allele CA410162707.

ClinVar aggregate classification (germline): Pathogenic (1 of 4 stars; one submission).

Conditions:
ZTTK syndrome (ZTTKS). Also called: ZTTK MULTIPLE CONGENITAL ANOMALIES-MENTAL RETARDATION SYNDROME; Zhu-Tokita-Takenouchi-Kim Syndrome. Identifiers: Orphanet 500150, MedGen C4310696, MONDO:0014936, OMIM 617140.

Submission:

MGZ Medical Genetics Center
Classification: Pathogenic for ZTTK syndrome. Last evaluated: 2022-02-16. Review status: criteria provided, single submitter. Criteria: ACMG Guidelines, 2015. Collection method: clinical testing. Allele origin: germline. Affected: yes. Observed: 1 variant allele.
Comment: ACMG criteria applied: PVS1, PS2, PM2_SUP